The following is an entry in ClinVar:

NM_000214.3(JAG1):c.805C>G (p.Pro269Ala)

Gene: JAG1 (jagged canonical Notch ligand 1; minus strand). Cytogenetic location: 20p12.2.
Variant type: single nucleotide variant.
Coding change: c.805C>G on transcript NM_000214.3 (MANE Select); coding-DNA position 805, C replaced by G.
Protein change: p.Pro269Ala; replaces proline 269 with alanine.
Molecular consequence: missense variant.
Genome position (GRCh38, 1-based): chr20:10,652,549, G>C on the plus strand (C>G on the coding strand, the complement: JAG1 is on the minus strand). VCF-style: chr20-10652549-G-C. GRCh37 (hg19) VCF-style: chr20-10633197-G-C.
Other names: short protein forms P269A.
Identifiers: ClinVar variation 3362091 (VCV003362091.1).

ClinVar aggregate classification (germline): Uncertain significance (1 of 4 stars; one submission).

Submission:

GeneDx
Classification: Uncertain significance. Last evaluated: 2023-05-30. Review status: criteria provided, single submitter. Criteria: GeneDx Variant Classification Process June 2021. Collection method: clinical testing. Allele origin: germline. Affected: yes.
Comment: Not observed at significant frequency in large population cohorts (gnomAD); In silico analysis supports that this missense variant has a deleterious effect on protein structure/function; Has not been previously published as pathogenic or benign to our knowledge